The following is an entry in ClinVar:

NM_003383.5(VLDLR):c.2222A>G (p.Asn741Ser)

Gene: VLDLR (very low density lipoprotein receptor; plus strand). Cytogenetic location: 9p24.2.
Variant type: single nucleotide variant.
Coding change: c.2222A>G on transcript NM_003383.5 (MANE Select); coding-DNA position 2222, A replaced by G.
Protein change: p.Asn741Ser; replaces asparagine 741 with serine.
Molecular consequence: missense variant.
Genome position (GRCh38, 1-based): chr9:2,650,487, A>G. VCF-style: chr9-2650487-A-G. GRCh37 (hg19) VCF-style: chr9-2650487-A-G.
Other names: c.2222A>G, p.Asn741Ser (NM_001018056.3); c.2099A>G, p.Asn700Ser (NM_001322225.2, NM_001322226.2); short protein forms N700S, N741S.
Identifiers: ClinVar variation 912601 (VCV000912601.41), dbSNP rs371150001, ClinGen allele CA4965099.
Genomic context (GRCh38, chr9:2,650,487, plus strand): 5'-CAGCACCACAGATTAATGATCACTCTCCAAAATATACCTGTTCCTGTCCCAGTGGGTACA[A>G]TGTAGAGGAAAATGGCCGAGACTGTCAAAGTAAGGCATTTTGTGTTTCAACCACAAGTAG-3'
Protein context (NP_003374.3, residues 731-751): KYTCSCPSGY[Asn741Ser]VEENGRDCQS

ClinVar aggregate classification (germline): Uncertain significance. Review status: criteria provided, multiple submitters, no conflicts (2 of 4 stars). 4 submissions from 4 submitters: Uncertain significance (4). Last evaluated 2023-12-15.

Conditions:
Inborn genetic diseases. Identifiers: MedGen C0950123, MeSH D030342.
Cerebellar ataxia, impaired intellectual development, and dysequilibrium syndrome 1. Also called: Cerebellar ataxia, intellectual disability, and dysequilibrium syndrome 1; Cerebellar ataxia, mental retardation, and dysequilibrium syndrome 1; VLDLR Cerebellar Hypoplasia; Cerebellar hypoplasia and mental retardation with or without quadrupedal locomotion 1; CEREBELLAR ATAXIA AND MENTAL RETARDATION WITH OR WITHOUT QUADRUPEDAL LOCOMOTION 1; CEREBELLAR ATAXIA, CONGENITAL, AND MENTAL RETARDATION, AUTOSOMAL RECESSIVE. Identifiers: Orphanet 1766, MedGen C4551552, MONDO:0024542, OMIM 224050.

Allele frequency attached by ClinVar (database versions not stated): TOPMed 0.00001; gnomAD exomes 0.00003; ExAC 0.00003; ESP Exome Variant Server 0.00008.
gnomAD v4.1: 37 of 1,613,994 alleles (0.0023%); highest among the groups gnomAD compares: Middle Eastern, 0.017%; no homozygotes.

Submissions (4):

Ambry Genetics
Classification: Uncertain significance for Inborn genetic diseases. Last evaluated: 2023-12-15. Review status: criteria provided, single submitter. Criteria: Ambry Variant Classification Scheme 2023. Collection method: clinical testing. Allele origin: germline.

Labcorp Genetics (formerly Invitae), Labcorp
Classification: Uncertain significance. Last evaluated: 2022-08-31. Review status: criteria provided, single submitter. Criteria: Invitae Variant Classification Sherloc (09022015). Collection method: clinical testing. Allele origin: germline.
Comment: This sequence change replaces asparagine, which is neutral and polar, with serine, which is neutral and polar, at codon 741 of the VLDLR protein (p.Asn741Ser). This variant is present in population databases (rs371150001, gnomAD 0.006%). This variant has not been reported in the literature in individuals affected with VLDLR-related conditions. ClinVar contains an entry for this variant (Variation ID: 912601). Algorithms developed to predict the effect of missense changes on protein structure and function output the following: SIFT: "Not Available"; PolyPhen-2: "Benign"; Align-GVGD: "Not Available". The serine amino acid residue is found in multiple mammalian species, which suggests that this missense change does not adversely affect protein function. In summary, the available evidence is currently insufficient to determine the role of this variant in disease. Therefore, it has been classified as a Variant of Uncertain Significance.

CeGaT Center for Human Genetics Tuebingen
Classification: Uncertain significance. Last evaluated: 2022-01-01. Review status: criteria provided, single submitter. Criteria: CeGaT Center For Human Genetics Tuebingen Variant Classification Criteria Version 2. Collection method: clinical testing. Allele origin: germline. Affected: yes. Observed: 1 variant allele.

Illumina Laboratory Services, Illumina
Classification: Uncertain significance for Cerebellar ataxia, impaired intellectual development, and dysequilibrium syndrome 1. Last evaluated: 2018-01-12. Review status: criteria provided, single submitter. Criteria: ICSL Variant Classification Criteria 13 December 2019. Collection method: clinical testing. Allele origin: germline.